The following is an entry in ClinVar:

ClinVar aggregate classification (germline): Uncertain significance. Review status: criteria provided, multiple submitters, no conflicts (2 of 4 stars). 2 submissions from 2 submitters: Uncertain significance (2). Last evaluated 2026-08-06.

Conditions:
Malignant hyperthermia, susceptibility to, 5 (MHS5). Also called: CACNA1S-Related Malignant Hyperthermia Susceptibility. Identifiers: Orphanet 423, MedGen C1866077, MONDO:0011163, OMIM 601887.
Hypokalemic periodic paralysis, type 1. Also called: HypoPP; Hypokalemic Periodic Paralysis Type 1 (AD). Identifiers: Orphanet 681, MedGen C3714580, MONDO:0042979, OMIM 170400.
Thyrotoxic periodic paralysis, susceptibility to, 1 (TTPP1). Identifiers: Orphanet 79102, MedGen C2749982, MONDO:0008570, OMIM 188580.

Allele frequency attached by ClinVar (database versions not stated): gnomAD exomes below 0.00001; ExAC 0.00001.
gnomAD v4.1: 8 of 1,614,040 alleles (0.0005%); highest among the groups gnomAD compares: Non-Finnish European, 0.00059%; no homozygotes.

Submissions (2):

OLLIN Analises Genomicas, OLLIN
Classification: Uncertain significance for Thyrotoxic periodic paralysis, susceptibility to, 1. Last evaluated: 2026-08-06. Review status: criteria provided, single submitter. Criteria: ACMG Guidelines 2015 PMID 25741868. Collection method: clinical testing. Allele origin: germline. Inheritance: Autosomal dominant inheritance.
Comment: This missense variant, located in exon 17 (of 44), has been reported in ClinVar (accession VCV001506458.6) and in gnomAD with an allele frequency of 0.0005%. However, to our knowledge, it has not been reported in the scientific literature. In silico analysis predicts that this variant has a deleterious effect. According to the currently available evidence, this variant has been classified as uncertain significance (PP3_S).

Labcorp Genetics (formerly Invitae), Labcorp
Classification: Uncertain significance for Hypokalemic periodic paralysis, type 1; Malignant hyperthermia, susceptibility to, 5. Last evaluated: 2025-11-03. Review status: criteria provided, single submitter. Criteria: Invitae Variant Classification Sherloc (09022015). Collection method: clinical testing. Allele origin: germline.
Comment: This sequence change replaces isoleucine, which is neutral and non-polar, with serine, which is neutral and polar, at codon 781 of the CACNA1S protein (p.Ile781Ser). This variant is present in population databases (rs780079690, gnomAD 0.0009%). This variant has not been reported in the literature in individuals affected with CACNA1S-related conditions. ClinVar contains an entry for this variant (Variation ID: 1506458). Invitae Evidence Modeling of protein sequence and biophysical properties (such as structural, functional, and spatial information, amino acid conservation, physicochemical variation, residue mobility, and thermodynamic stability) has been performed for this missense variant. However, the output from this modeling did not meet the statistical confidence thresholds required to predict the impact of this variant on CACNA1S protein function. In summary, the available evidence is currently insufficient to determine the role of this variant in disease. Therefore, it has been classified as a Variant of Uncertain Significance.

NM_000069.3(CACNA1S):c.2342T>G (p.Ile781Ser)

Gene: CACNA1S (calcium voltage-gated channel subunit alpha1 S; minus strand). Cytogenetic location: 1q32.1.
Variant type: single nucleotide variant.
Coding change: c.2342T>G on transcript NM_000069.3 (MANE Select); coding-DNA position 2342, T replaced by G.
Protein change: p.Ile781Ser; replaces isoleucine 781 with serine.
Molecular consequence: missense variant.
Genome position (GRCh38, 1-based): chr1:201,070,290, A>C on the plus strand (T>G on the coding strand, the complement: CACNA1S is on the minus strand). VCF-style: chr1-201070290-A-C. GRCh37 (hg19) VCF-style: chr1-201039418-A-C.
Other names: short protein forms I781S.
Identifiers: ClinVar variation 1506458 (VCV001506458.7), dbSNP rs780079690, ClinGen allele CA078930.
Genomic context (GRCh38, chr1:201,070,290, plus strand): 5'-GAGCCGCATCAATCACCCCCACAGCAGCCAAGGGGCACCCACTTATTGGTGGGGCTGAAG[A>C]TGAAGAAGGAGCTGGCTTCTGGAATGGGCACGGCCTTCTCTTTCAGCTGCAGCTCAGCCA-3'
Protein context (NP_000060.2, residues 771-791): VPIPEASSFF[Ile781Ser]FSPTNKIRVL